The following is an entry in ClinVar:

NM_138927.4(SON):c.5648G>A (p.Arg1883Lys)

Gene: SON (SON DNA and RNA binding protein; plus strand). Cytogenetic location: 21q22.11.
Variant type: single nucleotide variant.
Coding change: c.5648G>A on transcript NM_138927.4 (MANE Select); coding-DNA position 5648, G replaced by A.
Protein change: p.Arg1883Lys; replaces arginine 1883 with lysine.
Molecular consequence: missense variant. On other transcripts: non-coding transcript variant (1), intron variant (1).
Genome position (GRCh38, 1-based): chr21:33,554,879, G>A. VCF-style: chr21-33554879-G-A. GRCh37 (hg19) VCF-style: chr21-34927185-G-A.
Other names: c.5648G>A, p.Arg1883Lys (NM_001291411.2, NM_001412133.1, NM_032195.3 and 2 more transcripts); c.245-2277G>A (NM_001291412.3); short protein forms R1883K.
Identifiers: ClinVar variation 2629769 (VCV002629769.1), dbSNP rs2517392611, ClinGen allele CA410165243.

ClinVar aggregate classification (germline): Uncertain significance (1 of 4 stars; one submission).

Conditions:
SON-related disorder. Also called: SON-related condition.

Submission:

PreventionGenetics, part of Exact Sciences
Classification: Uncertain significance for SON-related condition. Last evaluated: 2023-01-05. Review status: criteria provided, single submitter. Criteria: ACMG Guidelines, 2015. Collection method: clinical testing. Allele origin: germline.
Comment: The SON c.5648G>A variant is predicted to result in the amino acid substitution p.Arg1883Lys. To our knowledge, this variant has not been reported in the literature or in a large population database, indicating this variant is rare. At this time, the clinical significance of this variant is uncertain due to the absence of conclusive functional and genetic evidence.